The following is an entry in ClinVar:

ClinVar aggregate classification (germline): Uncertain significance (1 of 4 stars; one submission).

gnomAD v4.1: 4 of 1,614,098 alleles (0.00025%); highest among the groups gnomAD compares: Non-Finnish European, 0.00034%; no homozygotes.

Submission:

Labcorp Genetics (formerly Invitae), Labcorp
Classification: Uncertain significance. Last evaluated: 2022-10-17. Review status: criteria provided, single submitter. Criteria: Invitae Variant Classification Sherloc (09022015). Collection method: clinical testing. Allele origin: germline.
Comment: In summary, the available evidence is currently insufficient to determine the role of this variant in disease. Therefore, it has been classified as a Variant of Uncertain Significance. Algorithms developed to predict the effect of missense changes on protein structure and function are either unavailable or do not agree on the potential impact of this missense change (SIFT: "Tolerated"; PolyPhen-2: "Possibly Damaging"; Align-GVGD: "Class C0"). This variant has not been reported in the literature in individuals affected with LAMC3-related conditions. This variant is not present in population databases (gnomAD no frequency). This sequence change replaces serine, which is neutral and polar, with arginine, which is basic and polar, at codon 813 of the LAMC3 protein (p.Ser813Arg).

NM_006059.4(LAMC3):c.2439C>A (p.Ser813Arg)

Gene: LAMC3 (laminin subunit gamma 3; plus strand). Cytogenetic location: 9q34.12.
Variant type: single nucleotide variant.
Coding change: c.2439C>A on transcript NM_006059.4 (MANE Select); coding-DNA position 2439, C replaced by A.
Protein change: p.Ser813Arg; replaces serine 813 with arginine.
Molecular consequence: missense variant.
Genome position (GRCh38, 1-based): chr9:131,067,051, C>A. VCF-style: chr9-131067051-C-A. GRCh37 (hg19) VCF-style: chr9-133942438-C-A.
Other names: short protein forms S813R.
Identifiers: ClinVar variation 2099701 (VCV002099701.4), dbSNP rs61637370, ClinGen allele CA375253204.